The following is an entry in ClinVar:

NM_001282531.3(ADNP):c.2759C>T (p.Ala920Val)

Gene: ADNP (activity dependent neuroprotector homeobox; minus strand). Cytogenetic location: 20q13.13.
Variant type: single nucleotide variant.
Coding change: c.2759C>T on transcript NM_001282531.3 (MANE Select); coding-DNA position 2759, C replaced by T.
Protein change: p.Ala920Val; replaces alanine 920 with valine.
Molecular consequence: missense variant.
Genome position (GRCh38, 1-based): chr20:50,891,955, G>A on the plus strand (C>T on the coding strand, the complement: ADNP is on the minus strand). VCF-style: chr20-50891955-G-A. GRCh37 (hg19) VCF-style: chr20-49508492-G-A.
Other names: c.2759C>T, p.Ala920Val (NM_001282532.2, NM_001347511.2, NM_015339.5 and 1 more transcripts); short protein forms A920V.
Identifiers: ClinVar variation 2652400 (VCV002652400.24), dbSNP rs757360719, ClinGen allele CA9908526.

ClinVar aggregate classification (germline): Likely benign (1 of 4 stars; one submission).

Allele frequency attached by ClinVar (database versions not stated): ExAC 0.00001.
gnomAD v4.1: 3 of 1,614,196 alleles (0.00019%); highest among the groups gnomAD compares: Non-Finnish European, 0.00025%; no homozygotes.

Submission:

CeGaT Center for Human Genetics Tuebingen
Classification: Likely benign. Last evaluated: 2022-04-01. Review status: criteria provided, single submitter. Criteria: CeGaT Center For Human Genetics Tuebingen Variant Classification Criteria Version 2. Collection method: clinical testing. Allele origin: germline. Affected: yes. Observed: 1 variant allele.
Comment: ADNP: BP4